The following is an entry in ClinVar:

NM_001370259.2(MEN1):c.910A>C (p.Lys304Gln)

Gene: MEN1 (menin 1; minus strand). Cytogenetic location: 11q13.1.
Variant type: single nucleotide variant.
Coding change: c.910A>C on transcript NM_001370259.2 (MANE Select); coding-DNA position 910, A replaced by C.
Protein change: p.Lys304Gln; replaces lysine 304 with glutamine.
Molecular consequence: missense variant. On other transcripts: non-coding transcript variant (4).
Genome position (GRCh38, 1-based): chr11:64,807,013, T>G on the plus strand (A>C on the coding strand, the complement: MEN1 is on the minus strand). VCF-style: chr11-64807013-T-G. GRCh37 (hg19) VCF-style: chr11-64574485-T-G.
Other names: c.925A>C, p.Lys309Gln (NM_000244.4, NM_001407150.1, NM_130800.3 and 5 more transcripts); c.910A>C, p.Lys304Gln (NM_001370251.2, NM_001407152.1, NM_130799.3 and 7 more transcripts); c.805A>C, p.Lys269Gln (NM_001407148.1, NM_001407149.1, NM_001407151.1 and 2 more transcripts); short protein forms K269Q, K309Q, K304Q.
Identifiers: ClinVar variation 2867768 (VCV002867768.3), dbSNP rs1941774610, ClinGen allele CA381183482.

ClinVar aggregate classification (germline): Uncertain significance (1 of 4 stars; one submission).

Conditions:
Multiple endocrine neoplasia, type 1 (MEN1). Also called: MEA I; MEN I; WERMER SYNDROME; Endocrine adenomatosis multiple; MEN 1. Identifiers: Orphanet 652, MedGen C0025267, MeSH D018761, MONDO:0007540, OMIM 131100.

Submission:

Labcorp Genetics (formerly Invitae), Labcorp
Classification: Uncertain significance for Multiple endocrine neoplasia, type 1. Last evaluated: 2023-11-17. Review status: criteria provided, single submitter. Criteria: Invitae Variant Classification Sherloc (09022015). Collection method: clinical testing. Allele origin: germline.
Comment: This sequence change replaces lysine, which is basic and polar, with glutamine, which is neutral and polar, at codon 304 of the MEN1 protein (p.Lys304Gln). This variant is not present in population databases (gnomAD no frequency). This variant has not been reported in the literature in individuals affected with MEN1-related conditions. An algorithm developed to predict the effect of missense changes on protein structure and function (PolyPhen-2) suggests that this variant is likely to be tolerated. In summary, the available evidence is currently insufficient to determine the role of this variant in disease. Therefore, it has been classified as a Variant of Uncertain Significance.